The following is an entry in ClinVar:

ClinVar aggregate classification (germline): Likely benign (1 of 4 stars; one submission).

Allele frequency attached by ClinVar (database versions not stated): 1000 Genomes Project 0.01098; TOPMed 0.02868; 1000 Genomes Project 30x 0.01733.

Submission:

GeneDx
Classification: Likely benign. Last evaluated: 2018-06-14. Review status: criteria provided, single submitter. Criteria: GeneDx Variant Classification (06012015). Collection method: clinical testing. Allele origin: germline. Affected: yes.
Comment: This variant is considered likely benign or benign based on one or more of the following criteria: it is a conservative change, it occurs at a poorly conserved position in the protein, it is predicted to be benign by multiple in silico algorithms, and/or has population frequency not consistent with disease.

NM_153033.4(KCTD7):c.-443G>C

Gene: KCTD7 (potassium channel tetramerization domain containing 7; plus strand). Cytogenetic location: 7q11.21.
Variant type: single nucleotide variant.
Coding change: c.-443G>C on transcript NM_153033.4; 443 bases upstream of the start codon, G replaced by C.
Genome position (GRCh38, 1-based): chr7:66,628,622, G>C. VCF-style: chr7-66628622-G-C. GRCh37 (hg19) VCF-style: chr7-66093609-G-C.
Identifiers: ClinVar variation 669802 (VCV000669802.3), dbSNP rs117915221, ClinGen allele CA160219098.